The following is an entry in ClinVar:

ClinVar aggregate classification (germline): Uncertain significance (1 of 4 stars; one submission).

Conditions:
Dilated cardiomyopathy 1G (CMD1G). Identifiers: Orphanet 154, MedGen C1858763, MONDO:0011400, OMIM 604145.
Autosomal recessive limb-girdle muscular dystrophy type 2J (LGMDR10). Also called: Limb-girdle muscular dystrophy, type 2J; MUSCULAR DYSTROPHY, LIMB-GIRDLE, AUTOSOMAL RECESSIVE 10. Identifiers: Orphanet 140922, MedGen C1837342, MONDO:0012127, OMIM 608807.

Submission:

Labcorp Genetics (formerly Invitae), Labcorp
Classification: Uncertain significance for Dilated cardiomyopathy 1G; Autosomal recessive limb-girdle muscular dystrophy type 2J. Last evaluated: 2021-06-07. Review status: criteria provided, single submitter. Criteria: Invitae Variant Classification Sherloc (09022015). Collection method: clinical testing. Allele origin: germline.
Comment: Experimental studies and prediction algorithms are not available or were not evaluated, and the functional significance of this variant is currently unknown. This sequence change replaces lysine with arginine at codon 34306 of the TTN protein (p.Lys34306Arg). There is a small physicochemical difference between lysine and arginine. This variant is not present in population databases (ExAC no frequency). This variant has not been reported in the literature in individuals with TTN-related conditions. In summary, the available evidence is currently insufficient to determine the role of this variant in disease. Therefore, it has been classified as a Variant of Uncertain Significance. This variant is located in the M band of TTN (PMID: 25589632). Variants in this region may be relevant for neuromuscular disorders, but have not been definitively shown to cause cardiomyopathy (PMID: 23975875).

Literature cited by the submitters: PubMed 25589632; PubMed 23975875.

NM_001267550.2(TTN):c.102917A>G (p.Lys34306Arg)

Genes: TTN (titin; minus strand), TTN-AS1 (TTN antisense RNA 1; plus strand). Cytogenetic location: 2q31.2.
Variant type: single nucleotide variant.
Coding change: c.102917A>G on transcript NM_001267550.2 (MANE Select); coding-DNA position 102917, A replaced by G.
Protein change: p.Lys34306Arg; replaces lysine 34306 with arginine.
Molecular consequence: missense variant.
Genome position (GRCh38, 1-based): chr2:178,533,698, T>C on the plus strand (A>G on the coding strand, the complement: TTN is on the minus strand). VCF-style: chr2-178533698-T-C. GRCh37 (hg19) VCF-style: chr2-179398425-T-C.
Other names: c.97994A>G, p.Lys32665Arg (NM_001256850.1); c.75722A>G, p.Lys25241Arg (NM_003319.4); c.95213A>G, p.Lys31738Arg (NM_133378.4); c.76097A>G, p.Lys25366Arg (NM_133432.3); c.76298A>G, p.Lys25433Arg (NM_133437.4); short protein forms K25241R, K25366R, K25433R, K31738R, K32665R, K34306R.
Identifiers: ClinVar variation 1497250 (VCV001497250.6), dbSNP rs2154135329, ClinGen allele CA349415780.